The following is an entry in ClinVar:

ClinVar aggregate classification (germline): Uncertain significance (1 of 4 stars; one submission).

Conditions:
Early Myoclonic Encephalopathy. Identifiers: MedGen C0270855.

Allele frequency attached by ClinVar (database versions not stated): gnomAD 0.00001; TOPMed below 0.00001.
gnomAD v4.1: 1 of 1,613,844 alleles (0.000062%); highest among the groups gnomAD compares: African/African-American, 0.0013%; no homozygotes.

Submission:

Labcorp Genetics (formerly Invitae), Labcorp
Classification: Uncertain significance for Early Myoclonic Encephalopathy. Last evaluated: 2023-03-22. Review status: criteria provided, single submitter. Criteria: Invitae Variant Classification Sherloc (09022015). Collection method: clinical testing. Allele origin: germline.
Comment: In summary, the available evidence is currently insufficient to determine the role of this variant in disease. Therefore, it has been classified as a Variant of Uncertain Significance. An algorithm developed to predict the effect of missense changes on protein structure and function (PolyPhen-2) suggests that this variant is likely to be tolerated. This variant has not been reported in the literature in individuals affected with JMJD1C-related conditions. This variant is present in population databases (no rsID available, gnomAD 0.01%). This sequence change replaces serine, which is neutral and polar, with arginine, which is basic and polar, at codon 639 of the JMJD1C protein (p.Ser639Arg).

NM_032776.3(JMJD1C):c.1917C>A (p.Ser639Arg)

Gene: JMJD1C (jumonji domain containing 1C; minus strand). Cytogenetic location: 10q21.3.
Variant type: single nucleotide variant.
Coding change: c.1917C>A on transcript NM_032776.3 (MANE Select); coding-DNA position 1917, C replaced by A.
Protein change: p.Ser639Arg; replaces serine 639 with arginine.
Molecular consequence: missense variant. On other transcripts: non-coding transcript variant (1).
Genome position (GRCh38, 1-based): chr10:63,214,250, G>T on the plus strand (C>A on the coding strand, the complement: JMJD1C is on the minus strand). VCF-style: chr10-63214250-G-T. GRCh37 (hg19) VCF-style: chr10-64974010-G-T.
Other names: c.1371C>A, p.Ser457Arg (NM_001282948.2, NM_001318154.2); c.1053C>A, p.Ser351Arg (NM_001318153.2); c.1803C>A, p.Ser601Arg (NM_001322252.2); c.1260C>A, p.Ser420Arg (NM_001322254.2, NM_001322258.2); short protein forms S457R, S601R, S351R, S420R, S639R.
Identifiers: ClinVar variation 2845893 (VCV002845893.3), dbSNP rs1044448083, ClinGen allele CA377047170.